The following is an entry in ClinVar:

ClinVar aggregate classification (germline): Conflicting classifications of pathogenicity. Review status: criteria provided, conflicting classifications (1 of 4 stars). 6 submissions from 6 submitters: Pathogenic (4); Uncertain significance (1). 1 of the submissions does not count toward it. Last evaluated 2026-05-19.

Conditions:
Developmental and epileptic encephalopathy, 57. Also called: EPILEPTIC ENCEPHALOPATHY, EARLY INFANTILE, 57. Identifiers: MedGen C4540411, MONDO:0033366, OMIM 617771.
Inborn genetic diseases. Identifiers: MedGen C0950123, MeSH D030342.

Allele frequency attached by ClinVar (database versions not stated): gnomAD exomes below 0.00001.
gnomAD v4.1: 2 of 1,606,300 alleles (0.00012%); highest among the groups gnomAD compares: African/African-American, 0.0013%; no homozygotes.

Submissions (6):

Institute of Human Genetics, University of Leipzig Medical Center
Classification: Pathogenic for Developmental and epileptic encephalopathy, 57. Last evaluated: 2026-05-19. Review status: criteria provided, single submitter. Criteria: ACMG Guidelines, 2015. Collection method: clinical testing. Allele origin: de novo. Inheritance: Autosomal dominant inheritance. Affected: yes.
Comment: Criteria applied: PS2_VSTR,PS3,PM2,PP2,PM5

Broad Center for Mendelian Genomics, Broad Institute of MIT and Harvard
Classification: Uncertain significance for Developmental and epileptic encephalopathy, 57. Last evaluated: 2026-03-02. Review status: criteria provided, single submitter. Criteria: ACMG Guidelines, 2015. Collection method: research. Allele origin: germline. Inheritance: Autosomal dominant inheritance.
Comment: The p.Arg190His variant in KCNT2 has been reported in at least 6 individual with neurodevelopmental disorders (PMID: 29740868, 33057194, 34061450, 35183220, 37062836), and has been identified in 0.001% (1/74706) of African/African American chromosomes by the Genome Aggregation Database (gnomAD v4; dbSNP rs1572547466). The number of reported affected individuals with this variant is greater than expected compared to non-affected individuals with this variant. This variant was found to be de novo in 5 individuals with confirmed paternity and maternity (PMID: 29740868, 33057194, 34061450, 35183220, 37062836). In vitro functional studies provide some evidence that the p.Arg190His variant may impact protein function (PMID: 29740868). However, these types of assays may not accurately represent biological function. In summary, while there is some suspicion for a pathogenic role, the clinical significance of this variant is uncertain. ACMG/AMP Criteria applied: PS2_moderate, PS4_moderate, PS3_supporting (Richards 2015).

Ambry Genetics
Classification: Pathogenic for Inborn genetic diseases. Last evaluated: 2026-01-30. Review status: criteria provided, single submitter. Criteria: Ambry Variant Classification Scheme 2023. Collection method: clinical testing. Allele origin: germline.
Comment: The c.569G>A (p.R190H) alteration is located in coding exon 8 of the KCNT2 gene. This alteration results from a G to A substitution at nucleotide position 569, causing the arginine (R) at amino acid position 190 to be replaced by a histidine (H). This variant was not reported in population-based cohorts in the Genome Aggregation Database (gnomAD). This variant was determined to be de novo in at least one individual with features consistent with KCNT2-related developmental and epileptic encephalopathy (Ambrosino, 2018; Cioclu, 2023). This amino acid position is highly conserved in available vertebrate species. In an assay testing KCNT2 function, this variant showed a functionally abnormal result (Ambrosino, 2018). The in silico prediction for this alteration is inconclusive. Based on the available evidence, this alteration is classified as pathogenic.

CeGaT Center for Human Genetics Tuebingen
Classification: Pathogenic. Last evaluated: 2025-03-01. Review status: criteria provided, single submitter. Criteria: CeGaT Center For Human Genetics Tuebingen Variant Classification Criteria Version 2. Collection method: clinical testing. Allele origin: germline. Affected: yes. Observed: 4 variant alleles.
Comment: KCNT2: PS2, PM1, PM2, PM5, PS3:Supporting

GeneDx
Classification: Pathogenic. Last evaluated: 2021-10-08. Review status: criteria provided, single submitter. Criteria: GeneDx Variant Classification Process June 2021. Collection method: clinical testing. Allele origin: germline. Affected: yes.
Comment: Published functional studies suggest gain of function effect (Ambrosino et al., 2018); In silico analysis supports that this missense variant has a deleterious effect on protein structure/function; Not observed in large population cohorts (Lek et al., 2016); This variant is associated with the following publications: (PMID: 32655623, 32773162, 32038177, 29740868, 34061450, 34276763)

OMIM
Classification: Pathogenic for DEVELOPMENTAL AND EPILEPTIC ENCEPHALOPATHY 57. Last evaluated: 2020-12-04. Review status: no assertion criteria provided. Collection method: literature only. Allele origin: germline. Not counted in ClinVar's aggregate classification.

Literature cited by the submitters: PubMed 29740868 (cited by Ambry Genetics and OMIM); PubMed 37062836 (cited by Ambry Genetics).

NM_198503.5(KCNT2):c.569G>A (p.Arg190His)

Gene: KCNT2 (potassium sodium-activated channel subfamily T member 2; minus strand). Cytogenetic location: 1q31.3.
Variant type: single nucleotide variant.
Coding change: c.569G>A on transcript NM_198503.5 (MANE Select); coding-DNA position 569, G replaced by A.
Protein change: p.Arg190His; replaces arginine 190 with histidine.
Molecular consequence: missense variant. On other transcripts: non-coding transcript variant (2).
Genome position (GRCh38, 1-based): chr1:196,465,362, C>T on the plus strand (G>A on the coding strand, the complement: KCNT2 is on the minus strand). VCF-style: chr1-196465362-C-T. GRCh37 (hg19) VCF-style: chr1-196434492-C-T.
Other names: NM_198503.5(KCNT2):c.569G>A; p.Arg190His; c.569G>A, p.Arg190His (NM_001287819.3, NM_001287820.3); short protein forms R190H.
Identifiers: ClinVar variation 806297 (VCV000806297.54), dbSNP rs1572547466, ClinGen allele CA344081947.